The following is an entry in ClinVar:

NM_015178.3(RHOBTB2):c.739_743dup (p.Pro249fs)

Gene: RHOBTB2 (Rho related BTB domain containing 2; plus strand). Cytogenetic location: 8p21.3.
Variant type: Duplication.
Coding change: c.739_743dup on transcript NM_015178.3 (MANE Select); coding-DNA positions 739 to 743, 5 bases duplicated (GACCC; older notation c.739_743dupGACCC).
Protein change: p.Pro249fs; shifts the reading frame from proline 249.
Molecular consequence: frameshift variant.
Genome position (GRCh38, 1-based): chr8:23,006,984-23,006,988, GACCC duplicated; duplicating any 5 consecutive bases within chr8:23,006,981-23,006,988 gives the same sequence; the c. name uses the placement nearest the transcript's 3' end. VCF-style (leftmost placement, unchanged base first): chr8-23006980-G-GCCCGA. GRCh37 (hg19) VCF-style: chr8-22864493-G-GCCCGA.
Other names: c.805_809dup, p.Pro271fs (NM_001160036.2); c.760_764dup, p.Pro256fs (NM_001160037.2); c.739_743dup, p.Pro249fs (NM_001374791.1); short protein forms P249fs, P256fs, P271fs.
Identifiers: ClinVar variation 2291814 (VCV002291814.2), dbSNP rs2487008669, ClinGen allele CA2580078079.

ClinVar aggregate classification (germline): Uncertain significance (1 of 4 stars; one submission).

Conditions:
Inborn genetic diseases. Identifiers: MedGen C0950123, MeSH D030342.

Submission:

Ambry Genetics
Classification: Uncertain significance for Inborn genetic diseases. Last evaluated: 2022-06-17. Review status: criteria provided, single submitter. Criteria: Ambry Variant Classification Scheme 2023. Collection method: clinical testing. Allele origin: germline.
Comment: Loss of function has not been clearly established as a mechanism of disease Based on insufficient or conflicting evidence, the clinical significance of this alteration remains unclear.